The following is an entry in ClinVar:

ClinVar aggregate classification (germline): Benign/Likely benign. Review status: criteria provided, multiple submitters, no conflicts (2 of 4 stars). 3 submissions from 3 submitters: Benign (1); Likely benign (2). Last evaluated 2025-11-25.

Conditions:
Cone-rod dystrophy 5 (CORD5). Identifiers: Orphanet 1872, MedGen C1832976, MONDO:0010969, OMIM 600977.

Allele frequency attached by ClinVar (database versions not stated): ESP Exome Variant Server 0.00008; 1000 Genomes Project 30x 0.00016; 1000 Genomes Project 0.00020.
gnomAD v4.1: 148 of 1,610,918 alleles (0.0092%); highest among the groups gnomAD compares: South Asian, 0.15%; 2 homozygotes.

Submissions (3):

Labcorp Genetics (formerly Invitae), Labcorp
Classification: Likely benign. Last evaluated: 2025-11-25. Review status: criteria provided, single submitter. Criteria: Invitae Variant Classification Sherloc (09022015). Collection method: clinical testing. Allele origin: germline.

Blueprint Genetics
Classification: Likely benign. Last evaluated: 2024-06-10. Review status: criteria provided, single submitter. Criteria: ACMG Guidelines, 2015. Collection method: clinical testing. Allele origin: germline.

Illumina Laboratory Services, Illumina
Classification: Benign for Cone-rod dystrophy 5. Last evaluated: 2018-01-13. Review status: criteria provided, single submitter. Criteria: ICSL Variant Classification Criteria 13 December 2019. Collection method: clinical testing. Allele origin: germline.
Comment: This variant was observed in the ICSL laboratory as part of a predisposition screen in an ostensibly healthy population. It had not been previously curated by ICSL or reported in the Human Gene Mutation Database (HGMD: prior to June 1st, 2018), and was therefore a candidate for classification through an automated scoring system. Utilizing variant allele frequency, disease prevalence and penetrance estimates, and inheritance mode, an automated score was calculated to assess if this variant is too frequent to cause the disease. Based on the score and internal cut-off values, a variant classified as benign is not then subjected to further curation. The score for this variant resulted in a classification of benign for this disease.

NM_031220.4(PITPNM3):c.36G>A (p.Pro12=)

Gene: PITPNM3 (PITPNM family member 3; minus strand). Cytogenetic location: 17p13.1.
Variant type: single nucleotide variant.
Coding change: c.36G>A on transcript NM_031220.4 (MANE Select); coding-DNA position 36, G replaced by A.
Protein change: p.Pro12=; no amino-acid change (proline 12 retained).
Molecular consequence: synonymous variant.
Genome position (GRCh38, 1-based): chr17:6,538,069, C>T on the plus strand (G>A on the coding strand, the complement: PITPNM3 is on the minus strand). VCF-style: chr17-6538069-C-T. GRCh37 (hg19) VCF-style: chr17-6441389-C-T.
Other names: c.36G>A, p.Pro12= (NM_001165966.2).
Identifiers: ClinVar variation 324771 (VCV000324771.14), dbSNP rs369702538, ClinGen allele CA8329972.